The following is an entry in ClinVar:

NM_005732.4(RAD50):c.-3A>G

Gene: RAD50 (RAD50 double strand break repair protein; plus strand). Cytogenetic location: 5q31.1.
Variant type: single nucleotide variant.
Coding change: c.-3A>G on transcript NM_005732.4 (MANE Select); 3 bases upstream of the start codon, A replaced by G.
Molecular consequence: 5 prime UTR variant.
Genome position (GRCh38, 1-based): chr5:132,557,322, A>G. VCF-style: chr5-132557322-A-G. GRCh37 (hg19) VCF-style: chr5-131893014-A-G.
Identifiers: ClinVar variation 2451400 (VCV002451400.2), dbSNP rs2479573713, ClinGen allele CA2580072641.

ClinVar aggregate classification (germline): Uncertain significance (1 of 4 stars; one submission).

Conditions:
Hereditary cancer-predisposing syndrome. Also called: Neoplastic Syndromes, Hereditary; Tumor predisposition; Hereditary neoplastic syndrome; Hereditary Cancer Syndrome. Identifiers: Orphanet 140162, MedGen C0027672, MeSH D009386, MONDO:0015356.

Allele frequency attached by ClinVar (database versions not stated): gnomAD exomes below 0.00001.
gnomAD v4.1: 1 of 1,614,156 alleles (0.000062%); highest among the groups gnomAD compares: Non-Finnish European, 0.000085%; no homozygotes.

Submission:

Ambry Genetics
Classification: Uncertain significance for Hereditary cancer-predisposing syndrome. Last evaluated: 2022-11-14. Review status: criteria provided, single submitter. Criteria: Ambry Variant Classification Scheme 2023. Collection method: clinical testing. Allele origin: germline.
Comment: The c.-3A>G variant is located in the 5' untranslated region (5&rsquo; UTR) of the RAD50 gene. This variant results from an A to G substitution 3 bases upstream from the first translated codon. This nucleotide position is well conserved in available vertebrate species. Since supporting evidence is limited at this time, the clinical significance of this alteration remains unclear.